The following is an entry in ClinVar:

NM_001378778.1(MPDZ):c.5966C>G (p.Thr1989Arg)

Gene: MPDZ (multiple PDZ domain crumbs cell polarity complex component; minus strand). Cytogenetic location: 9p23.
Variant type: single nucleotide variant.
Coding change: c.5966C>G on transcript NM_001378778.1 (MANE Select); coding-DNA position 5966, C replaced by G.
Protein change: p.Thr1989Arg; replaces threonine 1989 with arginine.
Molecular consequence: missense variant.
Genome position (GRCh38, 1-based): chr9:13,109,036, G>C on the plus strand (C>G on the coding strand, the complement: MPDZ is on the minus strand). VCF-style: chr9-13109036-G-C. GRCh37 (hg19) VCF-style: chr9-13109035-G-C.
Other names: c.5867C>G, p.Thr1956Arg (NM_001261406.2, NM_001375416.1, NM_001375417.1 and 1 more transcripts); c.5780C>G, p.Thr1927Arg (NM_001261407.2, NM_001375419.1); c.5966C>G, p.Thr1989Arg (NM_001330637.2); c.6065C>G, p.Thr2022Arg (NM_001375413.1); c.5756C>G, p.Thr1919Arg (NM_001375420.1, NM_001375421.1, NM_001375422.1 and 2 more transcripts); c.5669C>G, p.Thr1890Arg (NM_001375425.1, NM_001375426.1); c.5558C>G, p.Thr1853Arg (NM_001375427.1); c.5879C>G, p.Thr1960Arg (NM_003829.5); and 1 more; short protein forms T1919R, T1989R, T2022R, T1853R, T1890R, T1927R, T1956R, T1960R.
Identifiers: ClinVar variation 1499581 (VCV001499581.7), dbSNP rs546961898, ClinGen allele CA372939045.

ClinVar aggregate classification (germline): Uncertain significance. Review status: criteria provided, multiple submitters, no conflicts (2 of 4 stars). 2 submissions from 2 submitters: Uncertain significance (2). Last evaluated 2025-12-19.

Conditions:
Inborn genetic diseases. Identifiers: MedGen C0950123, MeSH D030342.

Allele frequency attached by ClinVar (database versions not stated): gnomAD exomes 0.00002; gnomAD 0.00001; TOPMed 0.00001.
gnomAD v4.1: 19 of 1,552,310 alleles (0.0012%); highest among the groups gnomAD compares: Non-Finnish European, 0.0016%; no homozygotes.

Submissions (2):

Ambry Genetics
Classification: Uncertain significance for Inborn genetic diseases. Last evaluated: 2025-12-19. Review status: criteria provided, single submitter. Criteria: Ambry Variant Classification Scheme 2023. Collection method: clinical testing. Allele origin: germline.

Labcorp Genetics (formerly Invitae), Labcorp
Classification: Uncertain significance. Last evaluated: 2023-06-30. Review status: criteria provided, single submitter. Criteria: Invitae Variant Classification Sherloc (09022015). Collection method: clinical testing. Allele origin: germline.
Comment: ClinVar contains an entry for this variant (Variation ID: 1499581). This missense change has been observed in individual(s) with clinical features of MPDZ-related conditions (Invitae). This variant is present in population databases (no rsID available, gnomAD 0.004%). This sequence change replaces threonine, which is neutral and polar, with arginine, which is basic and polar, at codon 1960 of the MPDZ protein (p.Thr1960Arg). An algorithm developed to predict the effect of missense changes on protein structure and function (PolyPhen-2) suggests that this variant is likely to be disruptive. In summary, the available evidence is currently insufficient to determine the role of this variant in disease. Therefore, it has been classified as a Variant of Uncertain Significance.